The following continues an entry in ClinVar:

NM_054012.4(ASS1):c.787G>A (p.Val263Met)

Gene: ASS1. ClinVar aggregate classification (germline): Pathogenic/Likely pathogenic. Pathogenic (18); Likely pathogenic (1).

Submissions 15 to 21 of 21:

Knight Diagnostic Laboratories, Oregon Health and Sciences University
Classification: Pathogenic for Citrullinemia, classic. Last evaluated: 2019-09-09. Review status: criteria provided, single submitter. Criteria: ACMG Guidelines, 2015. Collection method: clinical testing. Allele origin: germline. Observed: 1 variant allele.

Victorian Clinical Genetics Services, Murdoch Childrens Research Institute
Classification: Pathogenic for Citrullinemia type I. Last evaluated: 2019-08-28. Review status: criteria provided, single submitter. Criteria: ACMG Guidelines, 2015. Collection method: clinical testing. Allele origin: germline. Inheritance: Autosomal recessive inheritance. Affected: yes.
Comment: A heterozygous missense variant, NM_000050.4(ASS1):c.787G>A, has been identified in exon 12 of 16 of the ASS1 gene. The variant is predicted to result in a minor amino acid change from valine to methionine at position 263 of the protein (NP_000041.2(ASS1):p.(Val263Met)). The valine residue at this position has high conservation (100 vertebrates, UCSC), and is located within the Arginosuccinate synthase domain. In silico predictions for this variant are consistently pathogenic (Polyphen, SIFT, CADD, Mutation Taster). The variant is present in the gnomAD database at a frequency of 0.005% (15 heterozygotes, 0 homozygotes). The variant has been previously described as pathogenic and segregated with disease in multiple families with citrullinemia (ClinVar, Häberle, J. et al. (2003), Berning, C. et al. (2008), Glamuzina, E. et al. (2011), Diez-Fernandez, C. et al. (2017)). Additionally, in vitro studies demonstrated a reduced enzyme activity in p.V263M (Berning, C. et al. (2008)). Based on the information available at the time of curation, this variant has been classified as PATHOGENIC.

Eurofins Ntd Llc (ga)
Classification: Pathogenic. Last evaluated: 2012-12-03. Review status: criteria provided, single submitter. Criteria: EGL Classification Definitions 2015. Collection method: clinical testing. Allele origin: germline. Observed: 4 variant alleles, 3 heterozygotes, 1 homozygote.

Clinical Genetics Service, Universitary Hospital 12 de Octubre
Classification: Pathogenic for Citrullinemia type I. Review status: criteria provided, single submitter. Criteria: ACMG Guidelines, 2015. Collection method: clinical testing. Allele origin: paternal. Affected: yes.

Kariminejad - Najmabadi Pathology & Genetics Center
Classification: Likely pathogenic for Citrullinemia type I. Review status: criteria provided, single submitter. Criteria: ACMG Guidelines, 2015. Collection method: clinical testing. Allele origin: germline. Affected: no.

Counsyl
Classification: Likely pathogenic for Citrullinemia type I. Last evaluated: 2017-06-16. Review status: no assertion criteria provided. Collection method: clinical testing. Allele origin: unknown. Not counted in ClinVar's aggregate classification.
Comment: V263M may be associated with a mild form of citrullinemia type 1. This submission and the accompanying classification are no longer maintained by the submitter.

GeneReviews
No classification provided. Condition: Citrullinemia type I. Review status: no classification provided. Collection method: literature only. Allele origin: germline. Affected: yes. Not counted in ClinVar's aggregate classification.

Literature cited by the submitters: PubMed 4680976 (cited by Labcorp Genetics (formerly Invitae), Labcorp); PubMed 18473344 (cited by 4 submitters); PubMed 18925679 (cited by 3 submitters); PubMed 23780642 (cited by 3 submitters); PubMed 28111830 (cited by 3 submitters); PubMed 14680976 (cited by 3 submitters); PubMed 25047749 (cited by Women's Health and Genetics/Laboratory Corporation of America, LabCorp and Counsyl); PubMed 12684898 (cited by Women's Health and Genetics/Laboratory Corporation of America, LabCorp); PubMed 22473243 (cited by Counsyl); PubMed 21244552 (cited by Counsyl); NCBI Bookshelf NBK1458 (cited by GeneReviews).